The following is an entry in ClinVar:

NM_002137.4(HNRNPA2B1):c.7-137dup

Gene: HNRNPA2B1 (heterogeneous nuclear ribonucleoprotein A2/B1; minus strand). Cytogenetic location: 7p15.2.
Variant type: Duplication.
Coding change: c.7-137dup on transcript NM_002137.4 (MANE Select); 137 bases into the intron before coding-DNA position 7, one base duplicated (C; older notation c.7-137dupC).
Molecular consequence: intron variant.
Genome position (GRCh38, 1-based): chr7:26,197,869, G duplicated on the plus strand (C on the coding strand, the reverse complement: HNRNPA2B1 is on the minus strand); the first of 6 consecutive G bases (chr7:26,197,869-26,197,874); duplicating any one gives the same sequence. VCF-style (leftmost placement, unchanged base first): chr7-26197868-T-TG. GRCh37 (hg19) VCF-style: chr7-26237488-T-TG.
Other names: p.?; c.7-137dup (NM_001438578.1, NM_001438576.1, NM_001438575.1 and 4 more transcripts); c.7-3dup (NM_001438574.1, NM_001438573.1, NM_001438568.1 and 4 more transcripts).
Identifiers: ClinVar variation 1669039 (VCV001669039.10), dbSNP rs759915055, ClinGen allele CA4194821.

ClinVar aggregate classification (germline): Likely benign. Review status: criteria provided, multiple submitters, no conflicts (2 of 4 stars). 3 submissions from 3 submitters: Likely benign (3). Last evaluated 2025-11-21.

Conditions:
Inclusion body myopathy with early-onset Paget disease with or without frontotemporal dementia 2 (IBMPFD2). Also called: MULTISYSTEM PROTEINOPATHY 2. Identifiers: MedGen C3809468, MONDO:0014178, OMIM 615422.

Submissions (3):

Labcorp Genetics (formerly Invitae), Labcorp
Classification: Likely benign for Inclusion body myopathy with early-onset Paget disease with or without frontotemporal dementia 2. Last evaluated: 2025-11-21. Review status: criteria provided, single submitter. Criteria: Invitae Variant Classification Sherloc (09022015). Collection method: clinical testing. Allele origin: germline.

Mayo Clinic Laboratories, Mayo Clinic
Classification: Likely benign. Last evaluated: 2025-04-30. Review status: criteria provided, single submitter. Criteria: ACMG Guidelines, 2015. Collection method: clinical testing. Allele origin: germline. Observed: 1 variant allele.
Comment: BS2, BP4, BP7

Laboratory of Genetics, Children's Clinical University Hospital Latvia
Classification: Likely benign. Last evaluated: 2025-02-16. Review status: criteria provided, single submitter. Criteria: ACMG Guidelines, 2015. Collection method: clinical testing. Allele origin: germline. Affected: yes.